The following is an entry in ClinVar:

ClinVar aggregate classification (germline): Uncertain significance (1 of 4 stars; one submission).

Conditions:
Nephronophthisis 15 (NPHP15). Identifiers: Orphanet 3156, MedGen C3541853, MONDO:0013917, OMIM 614845.

gnomAD v4.1: 1 of 1,610,004 alleles (0.000062%); no homozygotes.

Submission:

Labcorp Genetics (formerly Invitae), Labcorp
Classification: Uncertain significance for Nephronophthisis 15. Last evaluated: 2022-10-24. Review status: criteria provided, single submitter. Criteria: Invitae Variant Classification Sherloc (09022015). Collection method: clinical testing. Allele origin: germline.
Comment: This variant is present in population databases (no rsID available, gnomAD 0.0009%). In summary, the available evidence is currently insufficient to determine the role of this variant in disease. Therefore, it has been classified as a Variant of Uncertain Significance. Algorithms developed to predict the effect of missense changes on protein structure and function output the following: SIFT: "Tolerated"; PolyPhen-2: "Benign"; Align-GVGD: "Class C0". The asparagine amino acid residue is found in multiple mammalian species, which suggests that this missense change does not adversely affect protein function. This variant has not been reported in the literature in individuals affected with CEP164-related conditions. This sequence change replaces serine, which is neutral and polar, with asparagine, which is neutral and polar, at codon 166 of the CEP164 protein (p.Ser166Asn).

NM_014956.5(CEP164):c.497G>A (p.Ser166Asn)

Gene: CEP164 (centrosomal protein 164; plus strand). Cytogenetic location: 11q23.3.
Variant type: single nucleotide variant.
Coding change: c.497G>A on transcript NM_014956.5 (MANE Select); coding-DNA position 497, G replaced by A.
Protein change: p.Ser166Asn; replaces serine 166 with asparagine.
Molecular consequence: missense variant.
Genome position (GRCh38, 1-based): chr11:117,361,938, G>A. VCF-style: chr11-117361938-G-A. GRCh37 (hg19) VCF-style: chr11-117232654-G-A.
Other names: c.497G>A, p.Ser166Asn (NM_001271933.2); short protein forms S166N.
Identifiers: ClinVar variation 1998976 (VCV001998976.4), dbSNP rs1400180353, ClinGen allele CA382730615.